The following is an entry in ClinVar:

NM_024408.4(NOTCH2):c.2557A>G (p.Asn853Asp)

Gene: NOTCH2 (notch receptor 2; minus strand). Cytogenetic location: 1p12.
Variant type: single nucleotide variant.
Coding change: c.2557A>G on transcript NM_024408.4 (MANE Select); coding-DNA position 2557, A replaced by G.
Protein change: p.Asn853Asp; replaces asparagine 853 with aspartic acid.
Molecular consequence: missense variant.
Genome position (GRCh38, 1-based): chr1:119,949,049, T>C on the plus strand (A>G on the coding strand, the complement: NOTCH2 is on the minus strand). VCF-style: chr1-119949049-T-C. GRCh37 (hg19) VCF-style: chr1-120491672-T-C.
Other names: c.2557A>G, p.Asn853Asp (NM_001200001.2); short protein forms N853D.
Identifiers: ClinVar variation 2074674 (VCV002074674.4), dbSNP rs782520443, ClinGen allele CA1040255.

ClinVar aggregate classification (germline): Uncertain significance (1 of 4 stars; one submission).

Conditions:
Hajdu-Cheney syndrome (HJCYS). Also called: Acroosteolysis dominant type; ACROOSTEOLYSIS WITH OSTEOPOROSIS AND CHANGES IN SKULL AND MANDIBLE; SERPENTINE FIBULA-POLYCYSTIC KIDNEY SYNDROME. Identifiers: Orphanet 955, MedGen C0917715, MONDO:0007057, OMIM 102500.

Allele frequency attached by ClinVar (database versions not stated): gnomAD exomes 0.00001; ExAC 0.00002.
gnomAD v4.1: 6 of 1,614,128 alleles (0.00037%); highest among the groups gnomAD compares: Non-Finnish European, 0.00051%; no homozygotes.

Submission:

Labcorp Genetics (formerly Invitae), Labcorp
Classification: Uncertain significance for Hajdu-Cheney syndrome. Last evaluated: 2024-07-06. Review status: criteria provided, single submitter. Criteria: Invitae Variant Classification Sherloc (09022015). Collection method: clinical testing. Allele origin: germline.
Comment: This sequence change replaces asparagine, which is neutral and polar, with aspartic acid, which is acidic and polar, at codon 853 of the NOTCH2 protein (p.Asn853Asp). This variant is present in population databases (rs782520443, gnomAD 0.004%). This variant has not been reported in the literature in individuals affected with NOTCH2-related conditions. ClinVar contains an entry for this variant (Variation ID: 2074674). Advanced modeling of protein sequence and biophysical properties (such as structural, functional, and spatial information, amino acid conservation, physicochemical variation, residue mobility, and thermodynamic stability) performed at Invitae indicates that this missense variant is not expected to disrupt NOTCH2 protein function with a negative predictive value of 95%. In summary, the available evidence is currently insufficient to determine the role of this variant in disease. Therefore, it has been classified as a Variant of Uncertain Significance.